The following is an entry in ClinVar:

NM_005263.5(GFI1):c.796A>G (p.Thr266Ala)

Gene: GFI1 (growth factor independent 1 transcriptional repressor; minus strand). Cytogenetic location: 1p22.1.
Variant type: single nucleotide variant.
Coding change: c.796A>G on transcript NM_005263.5 (MANE Select); coding-DNA position 796, A replaced by G.
Protein change: p.Thr266Ala; replaces threonine 266 with alanine.
Molecular consequence: missense variant.
Genome position (GRCh38, 1-based): chr1:92,480,476, T>C on the plus strand (A>G on the coding strand, the complement: GFI1 is on the minus strand). VCF-style: chr1-92480476-T-C. GRCh37 (hg19) VCF-style: chr1-92946033-T-C.
Other names: c.796A>G, p.Thr266Ala (NM_001127215.3, NM_001127216.3); short protein forms T266A.
Identifiers: ClinVar variation 947502 (VCV000947502.1), dbSNP rs1658175649, ClinGen allele CA341148790.

ClinVar aggregate classification (germline): Uncertain significance (1 of 4 stars; one submission).

Conditions:
Neutropenia, severe congenital, 2, autosomal dominant. Identifiers: Orphanet 486, MedGen C2751288, MONDO:0013139, OMIM 613107.

Submission:

Labcorp Genetics (formerly Invitae), Labcorp
Classification: Uncertain significance for Severe congenital neutropenia 2, autosomal dominant. Last evaluated: 2019-06-20. Review status: criteria provided, single submitter. Criteria: Invitae Variant Classification Sherloc (09022015). Collection method: clinical testing. Allele origin: germline.
Comment: This sequence change replaces threonine with alanine at codon 266 of the GFI1 protein (p.Thr266Ala). The threonine residue is highly conserved and there is a small physicochemical difference between threonine and alanine. This variant is not present in population databases (ExAC no frequency). This variant has not been reported in the literature in individuals with GFI1-related conditions. Algorithms developed to predict the effect of missense changes on protein structure and function are either unavailable or do not agree on the potential impact of this missense change (SIFT: "Tolerated"; PolyPhen-2: "Probably Damaging"; Align-GVGD: "Class C0"). In summary, the available evidence is currently insufficient to determine the role of this variant in disease. Therefore, it has been classified as a Variant of Uncertain Significance.